The following is an entry in ClinVar:

ClinVar aggregate classification (germline): Uncertain significance. Review status: criteria provided, multiple submitters, no conflicts (2 of 4 stars). 2 submissions from 2 submitters: Uncertain significance (2). Last evaluated 2023-11-09.

Conditions:
Inborn genetic diseases. Identifiers: MedGen C0950123, MeSH D030342.

Allele frequency attached by ClinVar (database versions not stated): gnomAD exomes below 0.00001; ExAC 0.00002; gnomAD 0.00003; TOPMed 0.00003; ESP Exome Variant Server 0.00008.
gnomAD v4.1: 7 of 1,611,058 alleles (0.00043%); highest among the groups gnomAD compares: African/African-American, 0.008%; no homozygotes.

Submissions (2):

Women's Health and Genetics/Laboratory Corporation of America, LabCorp
Classification: Uncertain significance. Last evaluated: 2023-11-09. Review status: criteria provided, single submitter. Criteria: LabCorp Variant Classification Summary - May 2015. Collection method: clinical testing. Allele origin: germline.
Comment: Variant summary: LRDD c.2226G>T (p.Arg742Ser) results in a non-conservative amino acid change in the encoded protein sequence. Three of five in-silico tools predict a damaging effect of the variant on protein function. The variant allele was found at a frequency of 0.00014 in 42102 control chromosomes. The available data on variant occurrences in the general population are insufficient to allow any conclusion about variant significance. To our knowledge, no occurrence of c.2226G>T in individuals affected with Intellectual Developmental Disorder, Autosomal Recessive 75, With Neuropsychiatric Features And Variant Lissencephaly and no experimental evidence demonstrating its impact on protein function have been reported. One submitter has cited clinical-significance assessments for this variant to ClinVar after 2014 and has classified the variant as uncertain significance. Based on the evidence outlined above, the variant was classified as uncertain significance.

Ambry Genetics
Classification: Uncertain significance for Inborn genetic diseases. Last evaluated: 2022-01-07. Review status: criteria provided, single submitter. Criteria: Ambry Variant Classification Scheme 2023. Collection method: clinical testing. Allele origin: germline.

NM_145886.4(PIDD1):c.2226G>T (p.Arg742Ser)

Gene: PIDD1 (p53-induced death domain protein 1; minus strand). Cytogenetic location: 11p15.5.
Variant type: single nucleotide variant.
Coding change: c.2226G>T on transcript NM_145886.4 (MANE Select); coding-DNA position 2226, G replaced by T.
Protein change: p.Arg742Ser; replaces arginine 742 with serine.
Molecular consequence: missense variant.
Genome position (GRCh38, 1-based): chr11:800,179, C>A on the plus strand (G>T on the coding strand, the complement: PIDD1 is on the minus strand). VCF-style: chr11-800179-C-A. GRCh37 (hg19) VCF-style: chr11-800179-C-A.
Other names: c.2175G>T, p.Arg725Ser (NM_145887.4); short protein forms R742S, R725S.
Identifiers: ClinVar variation 2257605 (VCV002257605.3), dbSNP rs368621396, ClinGen allele CA5789660.
Genomic context (GRCh38, chr11:800,179, plus strand): 5'-CCTCAGTCCCACCGGCAGCTTGATGGGCAGAGTGGCCATCCACAGGGCGTCTGCGCCCTT[C>A]CTCTGCCGGGCAGCCTCAGCCTCCTCGGGCACCCGCACAGGCACCGCGCCACGGTAGAAG-3'
Protein context (NP_665893.2, residues 732-752): VPEEAEAARQ[Arg742Ser]KGADALWMAT